The following is an entry in ClinVar:

NM_020832.3(ZNF687):c.562G>C (p.Gly188Arg)

Gene: ZNF687 (zinc finger protein 687; plus strand). Cytogenetic location: 1q21.3.
Variant type: single nucleotide variant.
Coding change: c.562G>C on transcript NM_020832.3 (MANE Select); coding-DNA position 562, G replaced by C.
Protein change: p.Gly188Arg; replaces glycine 188 with arginine.
Molecular consequence: missense variant.
Genome position (GRCh38, 1-based): chr1:151,286,853, G>C. VCF-style: chr1-151286853-G-C. GRCh37 (hg19) VCF-style: chr1-151259329-G-C.
Other names: c.562G>C, p.Gly188Arg (NM_001304763.2, NM_001304764.2); short protein forms G188R.
Identifiers: ClinVar variation 4777775 (VCV004777775.1).

ClinVar aggregate classification (germline): Uncertain significance (1 of 4 stars; one submission).

Submission:

Labcorp Genetics (formerly Invitae), Labcorp
Classification: Uncertain significance. Last evaluated: 2025-09-28. Review status: criteria provided, single submitter. Criteria: Invitae Variant Classification Sherloc (09022015). Collection method: clinical testing. Allele origin: germline.
Comment: This sequence change replaces glycine, which is neutral and non-polar, with arginine, which is basic and polar, at codon 188 of the ZNF687 protein (p.Gly188Arg). This variant is not present in population databases (gnomAD no frequency). This variant has not been reported in the literature in individuals affected with ZNF687-related conditions. An algorithm developed to predict the effect of missense changes on protein structure and function (PolyPhen-2) suggests that this variant is likely to be tolerated. In summary, the available evidence is currently insufficient to determine the role of this variant in disease. Therefore, it has been classified as a Variant of Uncertain Significance.